The following is an entry in ClinVar:

NM_001012614.2(CTBP1):c.989-1G>T

Genes: CTBP1 (C-terminal binding protein 1; minus strand), CTBP1-AS (CTBP1 antisense RNA; plus strand). Cytogenetic location: 4p16.3.
Variant type: single nucleotide variant.
Coding change: c.989-1G>T on transcript NM_001012614.2 (MANE Select); the canonical splice acceptor site of the intron before coding-DNA position 989, G replaced by T.
Molecular consequence: splice acceptor variant.
Genome position (GRCh38, 1-based): chr4:1,213,031, C>A on the plus strand (G>T on the coding strand, the complement: CTBP1 is on the minus strand). VCF-style: chr4-1213031-C-A. GRCh37 (hg19) VCF-style: chr4-1206819-C-A.
Other names: c.989-1G>T (NM_001377192.1, NM_001377189.1, NM_001377193.1 and 4 more transcripts); c.1022-1G>T (NM_001328.3, NM_001377186.1).
Identifiers: ClinVar variation 3373186 (VCV003373186.1).

ClinVar aggregate classification (germline): Uncertain significance (1 of 4 stars; one submission).

Submission:

GeneDx
Classification: Uncertain significance. Last evaluated: 2024-05-02. Review status: criteria provided, single submitter. Criteria: GeneDx Variant Classification Process June 2021. Collection method: clinical testing. Allele origin: germline. Affected: yes.
Comment: Not observed at significant frequency in large population cohorts (gnomAD); Canonical splice site variant in a gene or region of a gene for which loss of function is not a well-established mechanism of disease; Has not been previously published as pathogenic or benign to our knowledge